The following continues an entry in ClinVar:

NM_000059.4(BRCA2):c.6853A>G (p.Ile2285Val)

Gene: BRCA2. ClinVar aggregate classification (germline): Benign. Benign (1).

Submissions 25 to 32 of 32:

Institute for Biomarker Research, Medical Diagnostic Laboratories, L.L.C.
Classification: Likely benign for Hereditary breast ovarian cancer syndrome. Last evaluated: 2021-09-27. Review status: no assertion criteria provided. Collection method: clinical testing. Allele origin: germline. Not counted in ClinVar's aggregate classification.

BRCAlab, Lund University
Classification: Benign for Breast-ovarian cancer, familial, susceptibility to, 2. Last evaluated: 2020-03-02. Review status: no assertion criteria provided. Collection method: clinical testing. Allele origin: germline. Affected: yes. Not counted in ClinVar's aggregate classification.

Counsyl
Classification: Likely benign for Breast-ovarian cancer, familial 2. Last evaluated: 2014-01-02. Review status: no assertion criteria provided. Collection method: literature only. Allele origin: unknown. Inheritance: Autosomal dominant inheritance. Not counted in ClinVar's aggregate classification.

Biesecker Lab/Clinical Genomics Section, National Institutes of Health
Classification: Uncertain significance. Last evaluated: 2012-07-13. Review status: no assertion criteria provided. Collection method: research. Allele origin: germline. Affected: no. Observed: 1 variant allele. Study: ClinSeq. Not counted in ClinVar's aggregate classification.
ClinVar note: Converted during submission from variant of unknown significance to Uncertain significance.

Sharing Clinical Reports Project (SCRP)
Classification: Benign for Breast-ovarian cancer, familial 2. Last evaluated: 2008-01-16. Review status: no assertion criteria provided. Collection method: clinical testing. Allele origin: germline. Not counted in ClinVar's aggregate classification.

Breast Cancer Information Core (BIC) (BRCA2)
Classification: Uncertain significance for Breast-ovarian cancer, familial 2. Last evaluated: 2002-05-29. Review status: no assertion criteria provided. Collection method: clinical testing. Allele origin: germline. Affected: yes. Observed: 80 variant alleles. Not counted in ClinVar's aggregate classification.

Department of Pathology and Laboratory Medicine, Sinai Health System
Classification: Benign. Review status: no assertion criteria provided. Collection method: clinical testing. Allele origin: unknown. Affected: yes. Study: The Canadian Open Genetics Repository (COGR). Not counted in ClinVar's aggregate classification.
Comment: The BRCA2 p.Ile2285Val variant was identified in 17 of 1950 proband chromosomes (frequency: 0.009) from individuals or families with breast or ovarian cancer and was present in 10 of 950 control chromosomes (frequency: 0.01) from healthy individuals (Ding 2011, Li 2009, Shih 2000). The variant was also identified in dbSNP (ID: rs56272235) as "With other allele", ClinVar (classified as benign by Invitae and 10 other submitters; as likely benign by three submitters; as uncertain significance by BIC and one other submitter), COGR, MutDB, LOVD 3.0 (13x as benign or likely benign), UMD-LSDB (10x as likely neutral), BIC Database (80x with unknown significance), and in ARUP Laboratories (not pathogenic or of no clinical significance). The variant was not identified in the Cosmic or Zhejiang University databases. The variant was identified in control databases in 104 of 273028 chromosomes (1 homozygous) at a frequency of 0.0004 (Genome Aggregation Database Feb 27, 2017). The variant was observed in the following populations: Ashkenazi Jewish in 89 of 9928 chromosomes (freq: 0.009), Other in 5 of 6360 chromosomes (freq: 0.0008), Latino in 4 of 33852 chromosomes (freq: 0.0001), European in 5 of 125038 chromosomes (freq: 0.00004), and South Asian in 1 of 29758 chromosomes (freq: 0.00003); it was not observed in the African, East Asian, or Finnish populations. The p.Ile2285 residue is conserved in mammals but not in more distantly related organisms and four out of five computational analyses (PolyPhen-2, SIFT, AlignGVGD, BLOSUM, MutationTaster) do not suggest a high likelihood of impact to the protein; this information is not predictive enough to rule out pathogenicity. The variant occurs outside of the splicing consensus sequence and in silico or computational prediction software programs (SpliceSiteFinder, MaxEntScan, NNSPLICE, GeneSplicer) do not predict a difference in splicing. In addition, several functional studies have predicted that this variant is neutral (Tavtigian 2006, Easton 2007, Frank 2002, Guidugli 2014, Lindor 2012). This variant has also been identified as co-occurring with pathogenic variants in BRCA2: c.5946delT, p.S1982Rfs*22 (Li 2009) and c.2957dupA, p.Asn986Lysfs*2 (this laboratory), increasing the likelihood this variant does not have clinical significance. In summary, based on the above information, this variant meets our laboratory's criteria to be classified as benign.

Joint Genome Diagnostic Labs from Nijmegen and Maastricht, Radboudumc and MUMC+
Classification: Benign. Review status: no assertion criteria provided. Collection method: clinical testing. Allele origin: germline. Affected: yes. Study: VKGL Data-share Consensus. Not counted in ClinVar's aggregate classification.

Literature cited by the submitters: PubMed 21990134 (cited by Evidence-based Network for the Interpretation of Germline Mutant Alleles (ENIGMA)); PubMed 21741379 (cited by Illumina Laboratory Services, Illumina and Counsyl); PubMed 19795481 (cited by 3 submitters); PubMed 17924331 (cited by Pathway Genomics and Counsyl); PubMed 18824701 (cited by Counsyl).